The following is an entry in ClinVar:

NM_000784.4(CYP27A1):c.1052T>G (p.Leu351Arg)

Gene: CYP27A1 (cytochrome P450 family 27 subfamily A member 1; plus strand). Cytogenetic location: 2q35.
Variant type: single nucleotide variant.
Coding change: c.1052T>G on transcript NM_000784.4 (MANE Select); coding-DNA position 1052, T replaced by G.
Protein change: p.Leu351Arg; replaces leucine 351 with arginine.
Molecular consequence: missense variant.
Genome position (GRCh38, 1-based): chr2:218,814,055, T>G. VCF-style: chr2-218814055-T-G. GRCh37 (hg19) VCF-style: chr2-219678778-T-G.
Other names: short protein forms L351R.
Identifiers: ClinVar variation 801898 (VCV000801898.3), dbSNP rs1470602732, ClinGen allele CA350591509.

ClinVar aggregate classification (germline): Conflicting classifications of pathogenicity. Review status: criteria provided, conflicting classifications (1 of 4 stars). 2 submissions from 2 submitters: Likely pathogenic (1); Uncertain significance (1). Last evaluated 2022-08-05.

Conditions:
Cholestanol storage disease (CTX). Also called: CEREBRAL CHOLESTERINOSIS; Cerebrotendinous Xanthomatosis; CTX: Cerebrotendinous xanthomatosis. Identifiers: Orphanet 909, MedGen C0238052, MONDO:0008948, OMIM 213700.

Allele frequency attached by ClinVar (database versions not stated): TOPMed below 0.00001.

Submissions (2):

Labcorp Genetics (formerly Invitae), Labcorp
Classification: Uncertain significance for Cholestanol storage disease. Last evaluated: 2022-08-05. Review status: criteria provided, single submitter. Criteria: Invitae Variant Classification Sherloc (09022015). Collection method: clinical testing. Allele origin: germline.
Comment: This sequence change replaces leucine, which is neutral and non-polar, with arginine, which is basic and polar, at codon 351 of the CYP27A1 protein (p.Leu351Arg). This variant is not present in population databases (gnomAD no frequency). This variant has not been reported in the literature in individuals affected with CYP27A1-related conditions. ClinVar contains an entry for this variant (Variation ID: 801898). Advanced modeling of protein sequence and biophysical properties (such as structural, functional, and spatial information, amino acid conservation, physicochemical variation, residue mobility, and thermodynamic stability) performed at Invitae indicates that this missense variant is expected to disrupt CYP27A1 protein function. Algorithms developed to predict the effect of sequence changes on RNA splicing suggest that this variant may disrupt the consensus splice site. In summary, the available evidence is currently insufficient to determine the role of this variant in disease. Therefore, it has been classified as a Variant of Uncertain Significance.

Mendelics
Classification: Likely pathogenic for Cholestanol storage disease. Last evaluated: 2019-05-28. Review status: criteria provided, single submitter. Criteria: Mendelics Assertion Criteria 2017. Collection method: clinical testing. Allele origin: unknown.